The following is an entry in ClinVar:

ClinVar aggregate classification (germline): Pathogenic (1 of 4 stars; one submission).

Conditions:
Episodic kinesigenic dyskinesia (EKD). Also called: Paroxysmal kinesigenic dyskinesia. Identifiers: Orphanet 98809, MedGen C1868682, MONDO:0044202.

Submission:

Labcorp Genetics (formerly Invitae), Labcorp
Classification: Pathogenic for Episodic kinesigenic dyskinesia. Last evaluated: 2024-03-30. Review status: criteria provided, single submitter. Criteria: Invitae Variant Classification Sherloc (09022015). Collection method: clinical testing. Allele origin: germline.
Comment: This sequence change creates a premature translational stop signal (p.Ala231Glyfs*17) in the PRRT2 gene. It is expected to result in an absent or disrupted protein product. Loss-of-function variants in PRRT2 are known to be pathogenic (PMID: 22623405, 22744660). This variant is not present in population databases (gnomAD no frequency). This variant has not been reported in the literature in individuals affected with PRRT2-related conditions. For these reasons, this variant has been classified as Pathogenic.

Literature cited by the submitters: PubMed 22623405; PubMed 22744660.

NM_145239.3(PRRT2):c.674_689dup (p.Ala231fs)

Genes: MVP-DT (MVP divergent transcript; minus strand), PRRT2 (proline rich transmembrane protein 2; plus strand). Cytogenetic location: 16p11.2.
Variant type: Duplication.
Coding change: c.674_689dup on transcript NM_145239.3 (MANE Select); coding-DNA positions 674 to 689, 16 bases duplicated (AGGATCGAATGAGAAG).
Protein change: p.Ala231fs; shifts the reading frame from alanine 231.
Molecular consequence: frameshift variant.
Genome position (GRCh38, 1-based): chr16:29,813,728-29,813,743, AGGATCGAATGAGAAG duplicated; duplicating any 16 consecutive bases within chr16:29,813,727-29,813,743 gives the same sequence; the c. name uses the placement nearest the transcript's 3' end. VCF-style (leftmost placement, unchanged base first): chr16-29813726-G-GGAGGATCGAATGAGAA. GRCh37 (hg19) VCF-style: chr16-29825047-G-GGAGGATCGAATGAGAA.
Other names: c.674_689dup, p.Ala231fs (NM_001256442.2, NM_001256443.2); short protein forms A231fs.
Identifiers: ClinVar variation 3648175 (VCV003648175.2).